The following is an entry in ClinVar:

ClinVar aggregate classification (germline): Uncertain significance (1 of 4 stars; one submission).

Submission:

Labcorp Genetics (formerly Invitae), Labcorp
Classification: Uncertain significance. Last evaluated: 2023-05-23. Review status: criteria provided, single submitter. Criteria: Invitae Variant Classification Sherloc (09022015). Collection method: clinical testing. Allele origin: germline.
Comment: This variant is not present in population databases (gnomAD no frequency). This sequence change replaces glutamine, which is neutral and polar, with glutamic acid, which is acidic and polar, at codon 672 of the KCNQ5 protein (p.Gln672Glu). This variant has not been reported in the literature in individuals affected with KCNQ5-related conditions. In summary, the available evidence is currently insufficient to determine the role of this variant in disease. Therefore, it has been classified as a Variant of Uncertain Significance. Advanced modeling of protein sequence and biophysical properties (such as structural, functional, and spatial information, amino acid conservation, physicochemical variation, residue mobility, and thermodynamic stability) performed at Invitae indicates that this missense variant is not expected to disrupt KCNQ5 protein function.

NM_019842.4(KCNQ5):c.1957C>G (p.Gln653Glu)

Gene: KCNQ5 (potassium voltage-gated channel subfamily Q member 5; plus strand). Cytogenetic location: 6q13.
Variant type: single nucleotide variant.
Coding change: c.1957C>G on transcript NM_019842.4 (MANE Select); coding-DNA position 1957, C replaced by G.
Protein change: p.Gln653Glu; replaces glutamine 653 with glutamic acid.
Molecular consequence: missense variant.
Genome position (GRCh38, 1-based): chr6:73,194,572, C>G. VCF-style: chr6-73194572-C-G. GRCh37 (hg19) VCF-style: chr6-73904295-C-G.
Other names: c.1930C>G, p.Gln644Glu (NM_001160130.2); c.1987C>G, p.Gln663Glu (NM_001160132.2); c.2014C>G, p.Gln672Glu (NM_001160133.2); c.1627C>G, p.Gln543Glu (NM_001160134.2); short protein forms Q644E, Q672E, Q543E, Q653E, Q663E.
Identifiers: ClinVar variation 2724491 (VCV002724491.3), dbSNP rs2533930349, ClinGen allele CA364694644.